The following is an entry in ClinVar:

ClinVar aggregate classification (germline): Uncertain significance. Review status: criteria provided, multiple submitters, no conflicts (2 of 4 stars). 2 submissions from 2 submitters: Uncertain significance (2). Last evaluated 2026-01-23.

Allele frequency attached by ClinVar (database versions not stated): gnomAD exomes 0.00001; ExAC 0.00003.
gnomAD v4.1: 3 of 1,602,518 alleles (0.00019%); highest among the groups gnomAD compares: East Asian, 0.0067%; no homozygotes.

Submissions (2):

Women's Health and Genetics/Laboratory Corporation of America, LabCorp
Classification: Uncertain significance. Last evaluated: 2026-01-23. Review status: criteria provided, single submitter. Criteria: LabCorp Variant Classification Summary - May 2015. Collection method: clinical testing. Allele origin: germline.
Comment: Variant summary: GHR c.587A>C (p.Tyr196Ser) results in a non-conservative amino acid change in the encoded protein sequence. Algorithms developed to predict the effect of missense changes on protein structure and function all suggest that this variant is likely to be disruptive. The variant allele was found at a frequency of 1.2e-05 in 250706 control chromosomes. The available data on variant occurrences in the general population are insufficient to allow any conclusion about variant significance. c.587A>C has been observed in individual(s) affected with Growth Hormone Insensitivity, including as a compound heterozygous or unreported genotype (e.g. Laron_2004, Li_2021). These data do not allow any conclusion about variant significance. One publication reports experimental evidence evaluating an impact on protein function, showing reduced protein levels and signaling activity in vitro (e.g. Li_2021). The following publications have been ascertained in the context of this evaluation (PMID: 15001582, 33912130). ClinVar contains an entry for this variant (Variation ID: 1318538). Based on the evidence outlined above, the variant was classified as uncertain significance.

GeneDx
Classification: Uncertain significance. Last evaluated: 2021-02-20. Review status: criteria provided, single submitter. Criteria: GeneDx Variant Classification Process June 2021. Collection method: clinical testing. Allele origin: germline. Affected: yes.
Comment: In silico analysis supports that this missense variant has a deleterious effect on protein structure/function; This variant is associated with the following publications: (PMID: 21525302, 16932322)

Literature cited by the submitters: PubMed 33912130 (cited by Women's Health and Genetics/Laboratory Corporation of America, LabCorp); PubMed 15001582 (cited by Women's Health and Genetics/Laboratory Corporation of America, LabCorp).

NM_000163.5(GHR):c.587A>C (p.Tyr196Ser)

Gene: GHR (growth hormone receptor; plus strand). Cytogenetic location: 5p12.
Variant type: single nucleotide variant.
Coding change: c.587A>C on transcript NM_000163.5 (MANE Select); coding-DNA position 587, A replaced by C.
Protein change: p.Tyr196Ser; replaces tyrosine 196 with serine.
Molecular consequence: missense variant.
Genome position (GRCh38, 1-based): chr5:42,699,971, A>C. VCF-style: chr5-42699971-A-C. GRCh37 (hg19) VCF-style: chr5-42700073-A-C.
Other names: c.608A>C, p.Tyr203Ser (NM_001242399.2); c.587A>C, p.Tyr196Ser (NM_001242400.2, NM_001242401.4, NM_001242402.2 and 5 more transcripts); c.521A>C, p.Tyr174Ser (NM_001242460.2); short protein forms Y174S, Y196S, Y203S.
Identifiers: ClinVar variation 1318538 (VCV001318538.3), dbSNP rs747888560, ClinGen allele CA3254434.